The following is an entry in ClinVar:

NM_001957.4(EDNRA):c.88C>A (p.Leu30Ile)

Gene: EDNRA (endothelin receptor type A; plus strand). Cytogenetic location: 4q31.22.
Variant type: single nucleotide variant.
Coding change: c.88C>A on transcript NM_001957.4 (MANE Select); coding-DNA position 88, C replaced by A.
Protein change: p.Leu30Ile; replaces leucine 30 with isoleucine.
Molecular consequence: missense variant. On other transcripts: non-coding transcript variant (1).
Genome position (GRCh38, 1-based): chr4:147,485,769, C>A. VCF-style: chr4-147485769-C-A. GRCh37 (hg19) VCF-style: chr4-148406921-C-A.
Other names: c.88C>A, p.Leu30Ile (NM_001166055.2, NM_001354797.2); short protein forms L30I.
Identifiers: ClinVar variation 2962658 (VCV002962658.3), dbSNP rs202012442, ClinGen allele CA108393433.
Genomic context (GRCh38, chr4:147,485,769, plus strand): 5'-TTTTGGCTGGCACTGGTTGGATGTGTAATCAGTGATAATCCTGAGAGATACAGCACAAAT[C>A]TAAGCAATCATGTGGATGATTTCACCACTTTTCGTGGCACAGAGCTCAGCTTCCTGGTTA-3'
Protein context (NP_001948.1, residues 20-40): SDNPERYSTN[Leu30Ile]SNHVDDFTTF

ClinVar aggregate classification (germline): Uncertain significance (1 of 4 stars; one submission).

Allele frequency attached by ClinVar (database versions not stated): gnomAD 0.00001; gnomAD exomes 0.00001.
gnomAD v4.1: 12 of 1,614,112 alleles (0.00074%); highest among the groups gnomAD compares: Admixed American, 0.0017%; no homozygotes.

Submission:

Labcorp Genetics (formerly Invitae), Labcorp
Classification: Uncertain significance. Last evaluated: 2023-10-26. Review status: criteria provided, single submitter. Criteria: Invitae Variant Classification Sherloc (09022015). Collection method: clinical testing. Allele origin: germline.
Comment: This sequence change replaces leucine, which is neutral and non-polar, with isoleucine, which is neutral and non-polar, at codon 30 of the EDNRA protein (p.Leu30Ile). This variant is present in population databases (rs202012442, gnomAD 0.1%). This variant has not been reported in the literature in individuals affected with EDNRA-related conditions. An algorithm developed to predict the effect of missense changes on protein structure and function (PolyPhen-2) suggests that this variant is likely to be tolerated. In summary, the available evidence is currently insufficient to determine the role of this variant in disease. Therefore, it has been classified as a Variant of Uncertain Significance.